The following is an entry in ClinVar:

NM_001304359.2(MUC5AC):c.13668T>C (p.Ala4556=)

Gene: MUC5AC (mucin 5AC, oligomeric mucus/gel-forming; plus strand). Cytogenetic location: 11p15.5.
Variant type: single nucleotide variant.
Coding change: c.13668T>C on transcript NM_001304359.2 (MANE Select); coding-DNA position 13668, T replaced by C.
Protein change: p.Ala4556=; no amino-acid change (alanine 4556 retained).
Molecular consequence: synonymous variant.
Genome position (GRCh38, 1-based): chr11:1,191,813, T>C. VCF-style: chr11-1191813-T-C. GRCh37 (hg19) VCF-style: chr11-1213038-T-C.
Identifiers: ClinVar variation 2641167 (VCV002641167.24), dbSNP rs28875841, ClinGen allele CA472445862.

ClinVar aggregate classification (germline): Likely benign (1 of 4 stars; one submission).

Submission:

CeGaT Center for Human Genetics Tuebingen
Classification: Likely benign. Last evaluated: 2023-09-01. Review status: criteria provided, single submitter. Criteria: CeGaT Center For Human Genetics Tuebingen Variant Classification Criteria Version 2. Collection method: clinical testing. Allele origin: germline. Affected: yes. Observed: 1 variant allele.
Comment: MUC5AC: BP4, BP7